The following is an entry in ClinVar:

ClinVar aggregate classification (germline): Uncertain significance (1 of 4 stars; one submission).

Conditions:
Proteosome-associated autoinflammatory syndrome. Also called: Proteasome-associated autoinflammatory syndrome. Identifiers: Orphanet 324977, MedGen C1850568, MONDO:0009726.

Submission:

Labcorp Genetics (formerly Invitae), Labcorp
Classification: Uncertain significance for Proteosome-associated autoinflammatory syndrome. Last evaluated: 2021-09-29. Review status: criteria provided, single submitter. Criteria: Invitae Variant Classification Sherloc (09022015). Collection method: clinical testing. Allele origin: germline.
Comment: In summary, the available evidence is currently insufficient to determine the role of this variant in disease. Therefore, it has been classified as a Variant of Uncertain Significance. Algorithms developed to predict the effect of missense changes on protein structure and function (SIFT, PolyPhen-2, Align-GVGD) all suggest that this variant is likely to be disruptive. This variant has not been reported in the literature in individuals affected with PSMB8-related conditions. This variant is not present in population databases (ExAC no frequency). This sequence change replaces glycine with serine at codon 244 of the PSMB8 protein (p.Gly244Ser). The glycine residue is highly conserved and there is a small physicochemical difference between glycine and serine.

NM_148919.4(PSMB8):c.730G>A (p.Gly244Ser)

Gene: PSMB8 (proteasome 20S subunit beta 8; minus strand). Cytogenetic location: 6p21.32.
Variant type: single nucleotide variant.
Coding change: c.730G>A on transcript NM_148919.4 (MANE Select); coding-DNA position 730, G replaced by A.
Protein change: p.Gly244Ser; replaces glycine 244 with serine.
Molecular consequence: missense variant.
Genome position (GRCh38, 1-based): chr6:32,841,543, C>T on the plus strand (G>A on the coding strand, the complement: PSMB8 is on the minus strand). VCF-style: chr6-32841543-C-T. GRCh37 (hg19) VCF-style: chr6-32809320-C-T.
Other names: c.718G>A, p.Gly240Ser (NM_004159.5); short protein forms G244S, G240S.
Identifiers: ClinVar variation 1443903 (VCV001443903.6), dbSNP rs2127376054, ClinGen allele CA363588335.